The following is an entry in ClinVar:

ClinVar aggregate classification (germline): Uncertain significance. Review status: criteria provided, multiple submitters, no conflicts (2 of 4 stars). 2 submissions from 2 submitters: Uncertain significance (2). Last evaluated 2024-05-16.

Allele frequency attached by ClinVar (database versions not stated): gnomAD exomes below 0.00001 and 0.00001; TOPMed 0.00002.

Submissions (2):

Labcorp Genetics (formerly Invitae), Labcorp
Classification: Uncertain significance. Last evaluated: 2024-05-16. Review status: criteria provided, single submitter. Criteria: Invitae Variant Classification Sherloc (09022015). Collection method: clinical testing. Allele origin: germline.
Comment: This sequence change replaces serine, which is neutral and polar, with proline, which is neutral and non-polar, at codon 1138 of the PCARE protein (p.Ser1138Pro). This variant is present in population databases (no rsID available, gnomAD 0.0009%). This variant has not been reported in the literature in individuals affected with PCARE-related conditions. ClinVar contains an entry for this variant (Variation ID: 938386). An algorithm developed to predict the effect of missense changes on protein structure and function (PolyPhen-2) suggests that this variant is likely to be disruptive. In summary, the available evidence is currently insufficient to determine the role of this variant in disease. Therefore, it has been classified as a Variant of Uncertain Significance.

Blueprint Genetics
Classification: Uncertain significance. Last evaluated: 2021-06-02. Review status: criteria provided, single submitter. Criteria: ACMG Guidelines, 2015. Collection method: clinical testing. Allele origin: germline.

NM_001029883.3(PCARE):c.3412T>C (p.Ser1138Pro)

Gene: PCARE (photoreceptor cilium actin regulator; minus strand). Cytogenetic location: 2p23.2.
Variant type: single nucleotide variant.
Coding change: c.3412T>C on transcript NM_001029883.3 (MANE Select); coding-DNA position 3412, T replaced by C.
Protein change: p.Ser1138Pro; replaces serine 1138 with proline.
Molecular consequence: missense variant.
Genome position (GRCh38, 1-based): chr2:29,070,850, A>G on the plus strand (T>C on the coding strand, the complement: PCARE is on the minus strand). VCF-style: chr2-29070850-A-G. GRCh37 (hg19) VCF-style: chr2-29293716-A-G.
Other names: short protein forms S1138P.
Identifiers: ClinVar variation 938386 (VCV000938386.10), dbSNP rs1406704985, ClinGen allele CA346474991.